The following is an entry in ClinVar:

ClinVar aggregate classification (germline): Pathogenic. Review status: reviewed by expert panel (3 of 4 stars). 2 submissions from 2 submitters: Pathogenic (1). 1 of the submissions does not count toward it. Last evaluated 2016-10-18.

Conditions:
Breast-ovarian cancer, familial, susceptibility to, 1 (BROVCA1). Also called: BRCA1 Hereditary Breast and Ovarian Cancer; OVARIAN CANCER, SUSCEPTIBILITY TO. Identifiers: Orphanet 145, MedGen C2676676, MONDO:0011450, OMIM 604370. Disease mechanism: loss of function.

Submissions (2):

Evidence-based Network for the Interpretation of Germline Mutant Alleles (ENIGMA)
Classification: Pathogenic for Breast-ovarian cancer, familial, susceptibility to, 1. Last evaluated: 2016-10-18. Review status: reviewed by expert panel. Criteria: ENIGMA BRCA1/2 Classification Criteria (2015). Collection method: curation. Allele origin: germline.
Comment: Variant allele predicted to encode a truncated non-functional protein.

Consortium of Investigators of Modifiers of BRCA1/2 (CIMBA), c/o University of Cambridge
Classification: Pathogenic for Breast-ovarian cancer, familial, susceptibility to, 1. Last evaluated: 2015-10-02. Review status: criteria provided, single submitter. Criteria: CIMBA Mutation Classification guidelines May 2016. Collection method: clinical testing. Allele origin: germline. Not counted in ClinVar's aggregate classification.

NM_007294.4(BRCA1):c.4699_4708del (p.Gly1567fs)

Gene: BRCA1 (BRCA1 DNA repair associated; minus strand). Cytogenetic location: 17q21.31.
Variant type: Deletion.
Coding change: c.4699_4708del on transcript NM_007294.4 (MANE Select); coding-DNA positions 4699 to 4708, 10 bases deleted (GGAATCAGCC; older notation c.4699_4708delGGAATCAGCC).
Protein change: p.Gly1567fs; shifts the reading frame from glycine 1567.
Molecular consequence: frameshift variant. On other transcripts: non-coding transcript variant (1).
Genome position (GRCh38, 1-based): chr17:43,071,206-43,071,215, GGCTGATTCC deleted on the plus strand (GGAATCAGCC on the coding strand, the reverse complement: BRCA1 is on the minus strand). VCF-style (leftmost placement, unchanged base first): chr17-43071205-AGGCTGATTCC-A. GRCh37 (hg19) VCF-style: chr17-41223222-AGGCTGATTCC-A.
Other names: 4818 del10 1597X; c.2092_2101delGGAATCAGCC, p.Gly698Serfs (NM_001407969.1); c.1456_1465delGGAATCAGCC, p.Gly486Serfs (NM_001407970.1, NM_001407971.1); c.1453_1462delGGAATCAGCC, p.Gly485Serfs (NM_001407972.1); c.1390_1399delGGAATCAGCC, p.Gly464Serfs (NM_001407973.1, NM_001407974.1, NM_001407975.1 and 3 more transcripts); c.1387_1396delGGAATCAGCC, p.Gly463Serfs (NM_001407979.1, NM_001407980.1, NM_001407981.1 and 12 more transcripts); c.1384_1393delGGAATCAGCC, p.Gly462Serfs (NM_001408392.1, NM_001408396.1, NM_001408397.1 and 8 more transcripts); c.1381_1390delGGAATCAGCC, p.Gly461Serfs (NM_001408406.1, NM_001408407.1, NM_001408408.1); and 74 more; short protein forms G1588fs, G1520fs, G1567fs, G463fs.
Identifiers: ClinVar variation 266491 (VCV000266491.6), dbSNP rs886040244, ClinGen allele CA10589648.